The following is an entry in ClinVar:

NM_177559.3(CSNK2A1):c.502C>G (p.His168Asp)

Gene: CSNK2A1 (casein kinase 2 alpha 1; minus strand). Cytogenetic location: 20p13.
Variant type: single nucleotide variant.
Coding change: c.502C>G on transcript NM_177559.3 (MANE Select); coding-DNA position 502, C replaced by G.
Protein change: p.His168Asp; replaces histidine 168 with aspartic acid.
Molecular consequence: missense variant.
Genome position (GRCh38, 1-based): chr20:495,727, G>C on the plus strand (C>G on the coding strand, the complement: CSNK2A1 is on the minus strand). VCF-style: chr20-495727-G-C. GRCh37 (hg19) VCF-style: chr20-476371-G-C.
Other names: c.502C>G, p.His168Asp (NM_001362770.2, NM_001362771.2, NM_001895.4); c.94C>G, p.His32Asp (NM_177560.3); short protein forms H168D, H32D.
Identifiers: ClinVar variation 3350868 (VCV003350868.1).

ClinVar aggregate classification (germline): Uncertain significance (0 of 4 stars; one submission).

Conditions:
CSNK2A1-related disorder. Also called: CSNK2A1-related condition; CSNK2A1- Related Disorders.

Submission:

PreventionGenetics, part of Exact Sciences
Classification: Uncertain significance for CSNK2A1-related condition. Last evaluated: 2024-03-14. Review status: no assertion criteria provided. Collection method: clinical testing. Allele origin: germline.
Comment: The CSNK2A1 c.502C>G variant is predicted to result in the amino acid substitution p.His168Asp. To our knowledge, this variant has not been reported in the literature or in a large population database, indicating this variant is rare. At this time, the clinical significance of this variant is uncertain due to the absence of conclusive functional and genetic evidence.